The following is an entry in ClinVar:

NM_138927.4(SON):c.5922_5963del (p.1957SRTPSRR[4])

Gene: SON (SON DNA and RNA binding protein; plus strand). Cytogenetic location: 21q22.11.
Variant type: Deletion.
Coding change: c.5922_5963del on transcript NM_138927.4 (MANE Select); coding-DNA positions 5922 to 5963, 42 bases deleted.
Protein change: p.1957SRTPSRR[4].
Molecular consequence: inframe deletion. On other transcripts: non-coding transcript variant (1), intron variant (1).
Genome position (GRCh38, 1-based): chr21:33,555,153-33,555,194, 42 bases deleted; deleting any 42 consecutive bases within chr21:33,555,142-33,555,194 gives the same sequence; the c. name uses the placement nearest the transcript's 3' end. GRCh37 (hg19): chr21:34,927,459-34,927,500.
Other names: c.5922_5963del, p.1957SRTPSRR[4] (NM_001291411.2, NM_032195.3); c.245-2003_245-1962del (NM_001291412.3).
Identifiers: ClinVar variation 4529778 (VCV004529778.1).
Genomic context (GRCh38, chr21:33,555,141, plus strand): 5'-CATTTCCCCAAGCCGCCGCAGCCGCACCCCCAGCCGCCGCAGCCGCACCCCCAGCCGCCG[CAGCCGCACCCCCAGCCGCCGCAGCCGCACCCCCAGCCGCCGG>C]AGCCGCACCCCTAGCCGTCGGAGCCGCACCCCAAGCCGCCGGAGAAGATCAAGGTCTGTG-3'

ClinVar aggregate classification (germline): Uncertain significance (1 of 4 stars; one submission).

Submission:

GeneDx
Classification: Uncertain significance. Last evaluated: 2025-05-11. Review status: criteria provided, single submitter. Criteria: GeneDx Variant Classification Process June 2021. Collection method: clinical testing. Allele origin: germline. Affected: yes.
Comment: Not observed at significant frequency in large population cohorts (gnomAD); In-frame deletion of 14 amino acid(s) in a non-repeat region; In silico analysis supports a deleterious effect on protein structure/function; Has not been previously published as pathogenic or benign to our knowledge